The following is an entry in ClinVar:

ClinVar aggregate classification (germline): Conflicting classifications of pathogenicity. Review status: criteria provided, conflicting classifications (1 of 4 stars). 2 submissions from 2 submitters: Uncertain significance (1); Likely benign (1). Last evaluated 2023-03-23.

Conditions:
Hereditary breast ovarian cancer syndrome. Also called: Hereditary breast and ovarian cancer; Hereditary breast and/or ovarian cancer syndrome; Hereditary breast and ovarian cancer syndrome; Hereditary breast and ovarian cancer syndrome (HBOC); Breast and ovarian cancer; BRCA1- and BRCA2-Associated Hereditary Breast and Ovarian Cancer. Identifiers: Orphanet 145, MedGen C0677776, MeSH D061325, MONDO:0003582. Disease mechanism: loss of function.
Hereditary cancer-predisposing syndrome. Also called: Hereditary neoplastic syndrome; Tumor predisposition; Neoplastic Syndromes, Hereditary; Hereditary Cancer Syndrome. Identifiers: Orphanet 140162, MedGen C0027672, MeSH D009386, MONDO:0015356.

Submissions (2):

University of Washington Department of Laboratory Medicine, University of Washington
Classification: Likely benign for Hereditary cancer-predisposing syndrome. Last evaluated: 2023-03-23. Review status: criteria provided, single submitter. Criteria: Dines et al. (Genet Med. 2020). Collection method: curation. Allele origin: germline.
Comment: Missense variant in a coldspot region where missense variants are very unlikely to be pathogenic (PMID:31911673).

BRCA1 coldspot (exon 11 using historical exon numbering). Reclassification based on statistical prior probability

Labcorp Genetics (formerly Invitae), Labcorp
Classification: Uncertain significance for Hereditary breast ovarian cancer syndrome. Last evaluated: 2019-10-26. Review status: criteria provided, single submitter. Criteria: Invitae Variant Classification Sherloc (09022015). Collection method: clinical testing. Allele origin: germline.
Comment: This sequence change replaces serine with arginine at codon 1139 of the BRCA1 protein (p.Ser1139Arg). The serine residue is moderately conserved and there is a moderate physicochemical difference between serine and arginine. This variant is not present in population databases (ExAC no frequency). This variant has not been reported in the literature in individuals with BRCA1-related conditions. Algorithms developed to predict the effect of missense changes on protein structure and function output the following: SIFT: "Tolerated"; PolyPhen-2: "Benign"; Align-GVGD: "Class C0". The arginine amino acid residue is found in multiple mammalian species, suggesting that this missense change does not adversely affect protein function. These predictions have not been confirmed by published functional studies and their clinical significance is uncertain. In summary, the available evidence is currently insufficient to determine the role of this variant in disease. Therefore, it has been classified as a Variant of Uncertain Significance.

NM_007294.4(BRCA1):c.3417T>G (p.Ser1139Arg)

Genes: BRCA1 (BRCA1 DNA repair associated; minus strand), LOC126862571 (BRD4-independent group 4 enhancer GRCh37_chr17:41243136-41244335; plus strand). Cytogenetic location: 17q21.31.
Variant type: single nucleotide variant.
Coding change: c.3417T>G on transcript NM_007294.4 (MANE Select); coding-DNA position 3417, T replaced by G.
Protein change: p.Ser1139Arg; replaces serine 1139 with arginine.
Molecular consequence: missense variant. On other transcripts: intron variant (135).
Genome position (GRCh38, 1-based): chr17:43,092,114, A>C on the plus strand (T>G on the coding strand, the complement: BRCA1 is on the minus strand). VCF-style: chr17-43092114-A-C. GRCh37 (hg19) VCF-style: chr17-41244131-A-C.
Other names: c.3276T>G, p.Ser1092Arg (NM_001407735.1, NM_001407736.1, NM_001407737.1 and 29 more transcripts); c.3273T>G, p.Ser1091Arg (NM_001407740.1, NM_001407741.1, NM_001407742.1 and 20 more transcripts); c.3204T>G, p.Ser1068Arg (NM_001407571.1, NM_001407853.1, NM_001407894.1 and 9 more transcripts); c.3417T>G, p.Ser1139Arg (NM_001407581.1, NM_001407582.1, NM_001407583.1 and 30 more transcripts); c.3414T>G, p.Ser1138Arg (NM_001407587.1, NM_001407590.1, NM_001407591.1 and 22 more transcripts); c.3408T>G, p.Ser1136Arg (NM_001407646.1, NM_001407647.1); c.3294T>G, p.Ser1098Arg (NM_001407648.1, NM_001407664.1, NM_001407665.1 and 19 more transcripts); c.3291T>G, p.Ser1097Arg (NM_001407649.1, NM_001407670.1, NM_001407671.1 and 11 more transcripts); and 41 more; short protein forms S1092R, S1139R, S1011R, S1027R, S1068R, S1071R, S1112R, S971R.
Identifiers: ClinVar variation 956204 (VCV000956204.13), dbSNP rs2053590409, ClinGen allele CA10595147.